The following is an entry in ClinVar:

ClinVar aggregate classification (germline): Pathogenic (1 of 4 stars; one submission).

Submission:

GeneDx
Classification: Pathogenic. Last evaluated: 2015-04-14. Review status: criteria provided, single submitter. Criteria: GeneDx Variant Classification (06012015). Collection method: clinical testing. Allele origin: germline. Affected: yes.
Comment: Although the c.2162dupG pathogenic variant in the COL5A1 gene has not been reported to our knowledge, this variant causes a shift in reading frame starting at codon Glutamine 722, changing it to a Threonine, and creating a premature stop codon at position 4 of the new reading frame, denoted p.Gln722ThrfsX4. Furthermore, c.2162dupG was not observed in approximately 6500 individuals of European and African American ancestry in the NHLBI Exome Sequencing Project, indicating it is not a common benign variant in these populations. This variant is expected to result in either an abnormal, truncated protein product or loss of protein from this allele through nonsense-mediated mRNA decay. Additionally, other frameshift variants in the COL5A1 gene have been reported in HGMD in association with EDS, classic-type (Stenson P et al., 2014). In summary, c.2162dupG in the COL5A1 gene is interpreted as a pathogenic variant.

NM_000093.5(COL5A1):c.2162dup (p.Gln722fs)

Gene: COL5A1 (collagen type V alpha 1 chain; plus strand). Cytogenetic location: 9q34.3.
Variant type: Duplication.
Coding change: c.2162dup on transcript NM_000093.5 (MANE Select); coding-DNA position 2162, one base duplicated (G; older notation c.2162dupG).
Protein change: p.Gln722fs; shifts the reading frame from glutamine 722.
Molecular consequence: frameshift variant.
Genome position (GRCh38, 1-based): chr9:134,767,028, G duplicated; the last of 2 consecutive G bases (chr9:134,767,027-134,767,028); duplicating either gives the same sequence. VCF-style (leftmost placement, unchanged base first): chr9-134767026-A-AG. GRCh37 (hg19) VCF-style: chr9-137658872-A-AG.
Other names: c.2162dup, p.Gln722fs (NM_001278074.1); short protein forms Q722fs.
Identifiers: ClinVar variation 213030 (VCV000213030.2), dbSNP rs863223470, ClinGen allele CA323982.